The following is an entry in ClinVar:

NM_058216.3(RAD51C):c.39_41delinsATC (p.Asp13_Leu14delinsGluSer)

Gene: RAD51C (RAD51 paralog C; plus strand). Cytogenetic location: 17q22.
Variant type: Indel.
Coding change: c.39_41delinsATC on transcript NM_058216.3 (MANE Select); coding-DNA positions 39 to 41, TTT replaced by ATC.
Protein change: p.Asp13_Leu14delinsGluSer.
Molecular consequence: missense variant. On other transcripts: non-coding transcript variant (2).
Genome position (GRCh38, 1-based): chr17:58,692,682-58,692,684, TTT replaced by ATC. VCF-style: chr17-58692682-TTT-ATC. GRCh37 (hg19) VCF-style: chr17-56770043-TTT-ATC.
Other names: c.39_41delinsATC, p.Asp13_Leu14delinsGluSer (NM_002876.4); c.39_41delTTTinsATC, p.Asp13_Leu14delinsGluSer (NM_058217.1).
Identifiers: ClinVar variation 2496806 (VCV002496806.2), dbSNP rs2509260856, ClinGen allele CA2580094319.
Genomic context (GRCh38, chr17:58,692,682, plus strand): 5'-GGGGTTAGCAGGTGAGCCTGCGATGCGCGGGAAGACGTTCCGCTTTGAAATGCAGCGGGA[TTT>ATC]GGTGAGTTTCCCGCTGTCTCCAGCGGTGCGGGTGAAGCTGGTGTCTGCGGGGTTCCAGAC-3'

ClinVar aggregate classification (germline): Uncertain significance (1 of 4 stars; one submission).

Conditions:
Hereditary cancer-predisposing syndrome. Also called: Neoplastic Syndromes, Hereditary; Hereditary neoplastic syndrome; Tumor predisposition; Hereditary Cancer Syndrome. Identifiers: Orphanet 140162, MedGen C0027672, MeSH D009386, MONDO:0015356.

Submission:

Ambry Genetics
Classification: Uncertain significance for Hereditary cancer-predisposing syndrome. Last evaluated: 2022-11-08. Review status: criteria provided, single submitter. Criteria: Ambry Variant Classification Scheme 2023. Collection method: clinical testing. Allele origin: germline.
Comment: The c.39_41delTTTinsATC variant, (also known as p.D13_L14delinsES), located in coding exon 1 of the RAD51C gene, results from an in-frame deletion of TTT and insertion of ATC at nucleotide positions 39 to 41. This results in the substitution of the asparagine and leucine residues for glutamic acid and serine residues at codons 13-14. This amino acid region is well conserved in available vertebrate species. In addition, this alteration is predicted to be neutral by in silico analysis (Choi Y et al. PLoS ONE. 2012; 7(10):e46688). Since supporting evidence is limited at this time, the clinical significance of this alteration remains unclear.